The following is an entry in ClinVar:

NM_014141.6(CNTNAP2):c.3845T>C (p.Leu1282Pro)

Gene: CNTNAP2 (contactin associated protein 2; plus strand). Cytogenetic location: 7q36.1.
Variant type: single nucleotide variant.
Coding change: c.3845T>C on transcript NM_014141.6 (MANE Select); coding-DNA position 3845, T replaced by C.
Protein change: p.Leu1282Pro; replaces leucine 1282 with proline.
Molecular consequence: missense variant.
Genome position (GRCh38, 1-based): chr7:148,415,465, T>C. VCF-style: chr7-148415465-T-C. GRCh37 (hg19) VCF-style: chr7-148112557-T-C.
Other names: short protein forms L1282P.
Identifiers: ClinVar variation 955313 (VCV000955313.10), dbSNP rs752194710, ClinGen allele CA4546820.
Genomic context (GRCh38, chr7:148,415,465, plus strand): 5'-TTTCTCCGTCAGGCGTCATTGCTGTGGTGATTTTCACCATCCTGTGCACCCTGGTCTTCC[T>C]GATCCGGTACATGTTCCGCCACAAGGGCACCTACCATACCAACGAAGCAAAGGGGGCGGA-3'
Protein context (NP_054860.1, residues 1272-1292): IFTILCTLVF[Leu1282Pro]IRYMFRHKGT

ClinVar aggregate classification (germline): Uncertain significance. Review status: criteria provided, multiple submitters, no conflicts (2 of 4 stars). 2 submissions from 2 submitters: Uncertain significance (2). Last evaluated 2025-08-09.

Conditions:
Cortical dysplasia-focal epilepsy syndrome (PTHSL1). Also called: Pitt-Hopkins-like syndrome 1. Identifiers: Orphanet 163681, Orphanet 221150, MedGen C2750246, MONDO:0012400, OMIM 610042.

Allele frequency attached by ClinVar (database versions not stated): gnomAD exomes below 0.00001; TOPMed below 0.00001; ExAC 0.00001; gnomAD 0.00001.

Submissions (2):

GeneDx
Classification: Uncertain significance. Last evaluated: 2025-08-09. Review status: criteria provided, single submitter. Criteria: GeneDx Variant Classification Process June 2021. Collection method: clinical testing. Allele origin: germline. Affected: yes.
Comment: Not observed at significant frequency in large population cohorts (gnomAD); In silico analysis supports that this missense variant has a deleterious effect on protein structure/function; Has not been previously published as pathogenic or benign to our knowledge

Labcorp Genetics (formerly Invitae), Labcorp
Classification: Uncertain significance for Cortical dysplasia-focal epilepsy syndrome. Last evaluated: 2023-07-14. Review status: criteria provided, single submitter. Criteria: Invitae Variant Classification Sherloc (09022015). Collection method: clinical testing. Allele origin: germline.
Comment: In summary, the available evidence is currently insufficient to determine the role of this variant in disease. Therefore, it has been classified as a Variant of Uncertain Significance. An algorithm developed to predict the effect of missense changes on protein structure and function (PolyPhen-2) suggests that this variant is likely to be disruptive. This sequence change replaces leucine, which is neutral and non-polar, with proline, which is neutral and non-polar, at codon 1282 of the CNTNAP2 protein (p.Leu1282Pro). The frequency data for this variant in the population databases is considered unreliable, as metrics indicate poor data quality at this position in the gnomAD database. This variant has not been reported in the literature in individuals affected with CNTNAP2-related conditions. ClinVar contains an entry for this variant (Variation ID: 955313).